The following is an entry in ClinVar:

NM_005120.3(MED12):c.6416G>A (p.Arg2139His)

Gene: MED12 (mediator complex subunit 12; plus strand). Cytogenetic location: Xq13.1.
Variant type: single nucleotide variant.
Coding change: c.6416G>A on transcript NM_005120.3 (MANE Select); coding-DNA position 6416, G replaced by A.
Protein change: p.Arg2139His; replaces arginine 2139 with histidine.
Molecular consequence: missense variant.
Genome position (GRCh38, 1-based): chrX:71,141,890, G>A. VCF-style: chrX-71141890-G-A. GRCh37 (hg19) VCF-style: chrX-70361740-G-A.
Other names: c.6416G>A (NM_005120.2); short protein forms R2139H.
Identifiers: ClinVar variation 1477306 (VCV001477306.9), dbSNP rs1262235402, ClinGen allele CA413543822.

ClinVar aggregate classification (germline): Uncertain significance. Review status: criteria provided, multiple submitters, no conflicts (2 of 4 stars). 2 submissions from 2 submitters: Uncertain significance (2). Last evaluated 2025-03-18.

Conditions:
FG syndrome (FGS). Identifiers: MedGen C0220769, MONDO:0002010.
Familial thoracic aortic aneurysm and aortic dissection (TAAD). Also called: Thoracic aortic aneurysms and dissections. Identifiers: Orphanet 91387, MedGen C4707243, MONDO:0019625.

Allele frequency attached by ClinVar (database versions not stated): gnomAD exomes below 0.00001 and 0.00001.
gnomAD v4.1: 2 of 1,210,332 alleles (0.00017%); highest among the groups gnomAD compares: Non-Finnish European, 0.00022%; no homozygotes.

Submissions (2):

Ambry Genetics
Classification: Uncertain significance for Familial thoracic aortic aneurysm and aortic dissection. Last evaluated: 2025-03-18. Review status: criteria provided, single submitter. Criteria: Ambry Variant Classification Scheme 2023. Collection method: clinical testing. Allele origin: germline.
Comment: The p.R2139H variant (also known as c.6416G>A), located in coding exon 44 of the MED12 gene, results from a G to A substitution at nucleotide position 6416. The arginine at codon 2139 is replaced by histidine, an amino acid with highly similar properties. This amino acid position is conserved. In addition, the in silico prediction for this alteration is inconclusive. Based on the available evidence, the clinical significance of this variant remains unclear.

Labcorp Genetics (formerly Invitae), Labcorp
Classification: Uncertain significance for FG syndrome. Last evaluated: 2022-09-12. Review status: criteria provided, single submitter. Criteria: Invitae Variant Classification Sherloc (09022015). Collection method: clinical testing. Allele origin: germline.
Comment: Advanced modeling of protein sequence and biophysical properties (such as structural, functional, and spatial information, amino acid conservation, physicochemical variation, residue mobility, and thermodynamic stability) performed at Invitae indicates that this missense variant is expected to disrupt MED12 protein function. This sequence change replaces arginine, which is basic and polar, with histidine, which is basic and polar, at codon 2139 of the MED12 protein (p.Arg2139His). The frequency data for this variant in the population databases is considered unreliable, as metrics indicate poor data quality at this position in the gnomAD database. This variant has not been reported in the literature in individuals affected with MED12-related conditions. ClinVar contains an entry for this variant (Variation ID: 1477306). In summary, the available evidence is currently insufficient to determine the role of this variant in disease. Therefore, it has been classified as a Variant of Uncertain Significance.